The following is an entry in ClinVar:

NM_002637.4(PHKA1):c.2962G>A (p.Glu988Lys)

Gene: PHKA1 (phosphorylase kinase regulatory subunit alpha 1; minus strand). Cytogenetic location: Xq13.1.
Variant type: single nucleotide variant.
Coding change: c.2962G>A on transcript NM_002637.4 (MANE Select); coding-DNA position 2962, G replaced by A.
Protein change: p.Glu988Lys; replaces glutamic acid 988 with lysine.
Molecular consequence: missense variant.
Genome position (GRCh38, 1-based): chrX:72,602,229, C>T on the plus strand (G>A on the coding strand, the complement: PHKA1 is on the minus strand). VCF-style: chrX-72602229-C-T. GRCh37 (hg19) VCF-style: chrX-71822079-C-T.
Other names: c.2962G>A, p.Glu988Lys (NM_001122670.2); c.2785G>A, p.Glu929Lys (NM_001172436.2); short protein forms E929K, E988K.
Identifiers: ClinVar variation 2707122 (VCV002707122.4), dbSNP rs782357067, ClinGen allele CA331071724.

ClinVar aggregate classification (germline): Uncertain significance (1 of 4 stars; one submission).

Conditions:
Glycogen storage disease IXd (GSD9D). Also called: GSD IXd; Muscle Phosphorylase Kinase Deficiency. Identifiers: Orphanet 715, MedGen C1845151, MONDO:0010362, OMIM 300559.

Allele frequency attached by ClinVar (database versions not stated): gnomAD 0.00001; gnomAD exomes 0.00002.
gnomAD v4.1: 24 of 1,201,212 alleles (0.002%); highest among the groups gnomAD compares: Non-Finnish European, 0.0026%; no homozygotes.

Submissions (3):

Labcorp Genetics (formerly Invitae), Labcorp
Classification: Uncertain significance for Glycogen storage disease IXd. Last evaluated: 2024-06-29. Review status: criteria provided, single submitter. Criteria: Invitae Variant Classification Sherloc (09022015). Collection method: clinical testing. Allele origin: germline.
Comment: This sequence change replaces glutamic acid, which is acidic and polar, with lysine, which is basic and polar, at codon 988 of the PHKA1 protein (p.Glu988Lys). This variant is not present in population databases (gnomAD no frequency). This variant has not been reported in the literature in individuals affected with PHKA1-related conditions. Advanced modeling of protein sequence and biophysical properties (such as structural, functional, and spatial information, amino acid conservation, physicochemical variation, residue mobility, and thermodynamic stability) performed at Invitae indicates that this missense variant is not expected to disrupt PHKA1 protein function with a negative predictive value of 80%. In summary, the available evidence is currently insufficient to determine the role of this variant in disease. Therefore, it has been classified as a Variant of Uncertain Significance.

Dr. Peter K. Rogan Lab, Western University
No classification provided (evidence only). Condition: Thyroid cancer, nonmedullary, 1. Review status: no classification provided. Collection method: in vitro. Allele origin: not applicable. Functional consequence: retained intron. Not counted in ClinVar's aggregate classification.

Dr. Peter K. Rogan Lab, Western University
No classification provided (evidence only). Condition: Thyroid cancer, nonmedullary, 1. Review status: no classification provided. Collection method: in vitro. Allele origin: not applicable. Functional consequence: retained intron. Not counted in ClinVar's aggregate classification.